The following is an entry in ClinVar:

NM_000552.5(VWF):c.5189T>G (p.Val1730Gly)

Gene: VWF (von Willebrand factor; minus strand). Cytogenetic location: 12p13.31.
Variant type: single nucleotide variant.
Coding change: c.5189T>G on transcript NM_000552.5 (MANE Select); coding-DNA position 5189, T replaced by G.
Protein change: p.Val1730Gly; replaces valine 1730 with glycine.
Molecular consequence: missense variant.
Genome position (GRCh38, 1-based): chr12:6,016,638, A>C on the plus strand (T>G on the coding strand, the complement: VWF is on the minus strand). VCF-style: chr12-6016638-A-C. GRCh37 (hg19) VCF-style: chr12-6125804-A-C.
Other names: short protein forms V1730G.
Identifiers: ClinVar variation 4887852 (VCV004887852.1).

ClinVar aggregate classification (germline): Uncertain significance (1 of 4 stars; one submission).

Submission:

GeneDx
Classification: Uncertain significance. Last evaluated: 2026-01-21. Review status: criteria provided, single submitter. Criteria: GeneDx Variant Classification Process June 2021. Collection method: clinical testing. Allele origin: germline.
Comment: Identified in a patient with von Willebrand disease in published literature; however, no further clinical or segregation information was provided (PMID: 26986123); Not observed at significant frequency in large population cohorts (gnomAD); In silico analysis supports that this missense variant has a deleterious effect on protein structure/function; This variant is associated with the following publications: (PMID: 26986123)